The following is an entry in ClinVar:

NM_014727.3(KMT2B):c.2043T>G (p.Pro681=)

Gene: KMT2B (lysine methyltransferase 2B; plus strand). Cytogenetic location: 19q13.12.
Variant type: single nucleotide variant.
Coding change: c.2043T>G on transcript NM_014727.3 (MANE Select); coding-DNA position 2043, T replaced by G.
Protein change: p.Pro681=; no amino-acid change (proline 681 retained).
Molecular consequence: synonymous variant.
Genome position (GRCh38, 1-based): chr19:35,721,390, T>G. VCF-style: chr19-35721390-T-G. GRCh37 (hg19) VCF-style: chr19-36212292-T-G.
Identifiers: ClinVar variation 2063526 (VCV002063526.13), dbSNP rs193157110, ClinGen allele CA9384331.

ClinVar aggregate classification (germline): Benign/Likely benign. Review status: criteria provided, multiple submitters, no conflicts (2 of 4 stars). 3 submissions from 3 submitters: Benign (1); Likely benign (2). Last evaluated 2025-07-01.

Allele frequency attached by ClinVar (database versions not stated): ESP Exome Variant Server 0.00016; ExAC 0.00025; 1000 Genomes Project 30x 0.00031; 1000 Genomes Project 0.00040.
gnomAD v4.1: 386 of 1,606,386 alleles (0.024%); highest among the groups gnomAD compares: Non-Finnish European, 0.027%; no homozygotes.

Submissions (3):

CeGaT Center for Human Genetics Tuebingen
Classification: Likely benign. Last evaluated: 2025-07-01. Review status: criteria provided, single submitter. Criteria: CeGaT Center For Human Genetics Tuebingen Variant Classification Criteria Version 2. Collection method: clinical testing. Allele origin: germline. Affected: yes. Observed: 1 variant allele.
Comment: KMT2B: BP4, BP7

Labcorp Genetics (formerly Invitae), Labcorp
Classification: Benign. Last evaluated: 2025-04-11. Review status: criteria provided, single submitter. Criteria: Invitae Variant Classification Sherloc (09022015). Collection method: clinical testing. Allele origin: germline.

Blueprint Genetics
Classification: Likely benign. Last evaluated: 2024-08-14. Review status: criteria provided, single submitter. Criteria: ACMG Guidelines, 2015. Collection method: clinical testing. Allele origin: germline.